The following is an entry in ClinVar:

NM_016628.5(WAC):c.61del (p.Asp21fs)

Genes: WAC (WW domain containing adaptor with coiled-coil; plus strand), LOC130003576 (ATAC-STARR-seq lymphoblastoid silent region 2255; plus strand). Cytogenetic location: 10p12.1.
Variant type: Deletion.
Coding change: c.61del on transcript NM_016628.5 (MANE Select); coding-DNA position 61, one base deleted (G; older notation c.61delG).
Protein change: p.Asp21fs; shifts the reading frame from aspartic acid 21.
Molecular consequence: frameshift variant. On other transcripts: 5 prime UTR variant (1).
Genome position (GRCh38, 1-based): chr10:28,534,017, G deleted; the last of 6 consecutive G bases (chr10:28,534,012-28,534,017); deleting any one gives the same sequence. VCF-style (leftmost placement, unchanged base first): chr10-28534011-AG-A. GRCh37 (hg19) VCF-style: chr10-28822940-AG-A.
Other names: c.-75del (NM_100264.3); c.61del, p.Asp21fs (NM_100486.4); short protein forms D21fs.
Identifiers: ClinVar variation 3603020 (VCV003603020.1).

ClinVar aggregate classification (germline): Pathogenic (1 of 4 stars; one submission).

Submission:

GeneDx
Classification: Pathogenic. Last evaluated: 2024-08-09. Review status: criteria provided, single submitter. Criteria: GeneDx Variant Classification Process June 2021. Collection method: clinical testing. Allele origin: germline. Affected: yes.
Comment: Frameshift variant predicted to result in protein truncation or nonsense mediated decay in a gene for which loss of function is a known mechanism of disease; Not observed at significant frequency in large population cohorts (gnomAD); Has not been previously published as pathogenic or benign to our knowledge